The following is an entry in ClinVar:

ClinVar aggregate classification (germline): Pathogenic/Likely pathogenic. Review status: criteria provided, multiple submitters, no conflicts (2 of 4 stars). 2 submissions from 2 submitters: Pathogenic (1); Likely pathogenic (1). Last evaluated 2026-04-08.

Conditions:
Synaptic congenital myasthenic syndromes. Identifiers: Orphanet 98915, MedGen C5681640.
Congenital myasthenic syndrome 5. Identifiers: Orphanet 590, MedGen C1864233, MONDO:0011281, OMIM 603034.

Submissions (2):

Department of Human Genetics, Hannover Medical School
Classification: Pathogenic for Congenital myasthenic syndrome 5. Last evaluated: 2026-04-08. Review status: criteria provided, single submitter. Criteria: ACMG Guidelines, 2015. Collection method: clinical testing. Allele origin: germline. Inheritance: Autosomal recessive inheritance. Affected: yes.
Comment: PVS1, PM2_Supporting, PM3

Neuromuscular Department, Shariati Hospital, Tehran University of Medical Sciences
Classification: Likely pathogenic for Synaptic congenital myasthenic syndromes. Last evaluated: 2023-01-01. Review status: criteria provided, single submitter. Criteria: ACMG Guidelines, 2015. Collection method: clinical testing. Allele origin: germline. Affected: yes. Observed: 1 variant allele.

NM_005677.4(COLQ):c.827_843del (p.Met276fs)

Gene: COLQ (collagen like tail subunit of asymmetric acetylcholinesterase; minus strand). Cytogenetic location: 3p25.1.
Variant type: Deletion.
Coding change: c.827_843del on transcript NM_005677.4 (MANE Select); coding-DNA positions 827 to 843, 17 bases deleted (TGGGACCCAAAGGGGAA).
Protein change: p.Met276fs; shifts the reading frame from methionine 276.
Molecular consequence: frameshift variant.
Genome position (GRCh38, 1-based): chr3:15,458,297-15,458,313, TTCCCCTTTGGGTCCCA deleted on the plus strand (TGGGACCCAAAGGGGAA on the coding strand, the reverse complement: COLQ is on the minus strand); deleting any 17 consecutive bases within chr3:15,458,297-15,458,315 gives the same sequence; the c. name uses the placement nearest the transcript's 3' end. VCF-style (leftmost placement, unchanged base first): chr3-15458296-TTTCCCCTTTGGGTCCCA-T. GRCh37 (hg19) VCF-style: chr3-15499803-TTTCCCCTTTGGGTCCCA-T.
Other names: c.797_813del, p.Met266fs (NM_080538.2); c.725_741del, p.Met242fs (NM_080539.4); short protein forms M242fs, M266fs, M276fs.
Identifiers: ClinVar variation 2576521 (VCV002576521.3), dbSNP rs2470828887, ClinGen allele CA2580614149.